The following is an entry in ClinVar:

NM_014585.6(SLC40A1):c.140C>T (p.Ser47Phe)

Gene: SLC40A1 (solute carrier family 40 member 1; minus strand). Cytogenetic location: 2q32.2.
Variant type: single nucleotide variant.
Coding change: c.140C>T on transcript NM_014585.6 (MANE Select); coding-DNA position 140, C replaced by T.
Protein change: p.Ser47Phe; replaces serine 47 with phenylalanine.
Molecular consequence: missense variant.
Genome position (GRCh38, 1-based): chr2:189,575,292, G>A on the plus strand (C>T on the coding strand, the complement: SLC40A1 is on the minus strand). VCF-style: chr2-189575292-G-A. GRCh37 (hg19) VCF-style: chr2-190440018-G-A.
Other names: short protein forms S47F.
Identifiers: ClinVar variation 986314 (VCV000986314.3), dbSNP rs2105631748, ClinGen allele CA349989861.

ClinVar aggregate classification (germline): Uncertain significance. Review status: criteria provided, single submitter (1 of 4 stars). 2 submissions from 2 submitters: Uncertain significance (1). 1 of the submissions does not count toward it. Last evaluated 2024-09-01.

Conditions:
Hemochromatosis type 4 (HFE4). Also called: Ferroportin disease; HEMOCHROMATOSIS DUE TO DEFECT IN FERROPORTIN; HEMOCHROMATOSIS, AUTOSOMAL DOMINANT. Identifiers: Orphanet 139491, Orphanet 647834, Orphanet 648562, MedGen C1853733, MONDO:0011631, OMIM 606069.

Submissions (2):

Labcorp Genetics (formerly Invitae), Labcorp
Classification: Uncertain significance for Hemochromatosis type 4. Last evaluated: 2024-09-01. Review status: criteria provided, single submitter. Criteria: Invitae Variant Classification Sherloc (09022015). Collection method: clinical testing. Allele origin: germline.
Comment: This sequence change replaces serine, which is neutral and polar, with phenylalanine, which is neutral and non-polar, at codon 47 of the SLC40A1 protein (p.Ser47Phe). This variant is not present in population databases (gnomAD no frequency). This variant has not been reported in the literature in individuals affected with SLC40A1-related conditions. ClinVar contains an entry for this variant (Variation ID: 986314). Invitae Evidence Modeling of protein sequence and biophysical properties (such as structural, functional, and spatial information, amino acid conservation, physicochemical variation, residue mobility, and thermodynamic stability) indicates that this missense variant is not expected to disrupt SLC40A1 protein function with a negative predictive value of 80%. In summary, the available evidence is currently insufficient to determine the role of this variant in disease. Therefore, it has been classified as a Variant of Uncertain Significance.

Laboratory of Molecular Genetics and Genomics, Rennes University Hospital
Classification: Uncertain significance for Hemochromatosis type 4. Last evaluated: 2020-07-01. Review status: no assertion criteria provided. Criteria: ACMG Guidelines, 2015. Collection method: clinical testing. Allele origin: germline. Affected: yes. Not counted in ClinVar's aggregate classification.